The following is an entry in ClinVar:

NM_001394062.1(MACF1):c.16738C>T (p.Leu5580Phe)

Gene: MACF1 (microtubule actin crosslinking factor 1; plus strand). Cytogenetic location: 1p34.3.
Variant type: single nucleotide variant.
Coding change: c.16738C>T on transcript NM_001394062.1 (MANE Select); coding-DNA position 16738, C replaced by T.
Protein change: p.Leu5580Phe; replaces leucine 5580 with phenylalanine.
Molecular consequence: missense variant. On other transcripts: intron variant (1).
Genome position (GRCh38, 1-based): chr1:39,428,222, C>T. VCF-style: chr1-39428222-C-T. GRCh37 (hg19) VCF-style: chr1-39893894-C-T.
Other names: c.10552C>T, p.Leu3518Phe (NM_012090.5); c.4872+608C>T (NM_001397473.1); short protein forms L3518F, L5580F.
Identifiers: ClinVar variation 4985978 (VCV004985978.1).

ClinVar aggregate classification (germline): Uncertain significance (1 of 4 stars; one submission).

Conditions:
MACF1-related disorder. Also called: MACF1-related condition.

gnomAD v4.1: 3 of 1,614,092 alleles (0.00019%); highest among the groups gnomAD compares: East Asian, 0.0045%; no homozygotes.

Submission:

PreventionGenetics, part of Exact Sciences
Classification: Uncertain significance for MACF1-related condition. Last evaluated: 2026-06-09. Review status: criteria provided, single submitter. Criteria: ACMG Guidelines, 2015. Collection method: clinical testing. Allele origin: germline.
Comment: The MACF1 c.10552C>T variant is predicted to result in the amino acid substitution p.Leu3518Phe. To our knowledge, this variant has not been reported in the literature. This variant is reported in 0.0054% of alleles in individuals of East Asian descent in gnomAD. At this time, the clinical significance of this variant is uncertain due to the absence of conclusive functional and genetic evidence.